The following is an entry in ClinVar:

NM_018127.7(ELAC2):c.340C>T (p.His114Tyr)

Gene: ELAC2 (elaC ribonuclease Z 2; minus strand). Cytogenetic location: 17p12.
Variant type: single nucleotide variant.
Coding change: c.340C>T on transcript NM_018127.7 (MANE Select); coding-DNA position 340, C replaced by T.
Protein change: p.His114Tyr; replaces histidine 114 with tyrosine.
Molecular consequence: missense variant.
Genome position (GRCh38, 1-based): chr17:13,016,889, G>A on the plus strand (C>T on the coding strand, the complement: ELAC2 is on the minus strand). VCF-style: chr17-13016889-G-A. GRCh37 (hg19) VCF-style: chr17-12920206-G-A.
Other names: c.340C>T, p.His114Tyr (NM_001165962.2, NM_173717.2); short protein forms H114Y.
Identifiers: ClinVar variation 3651267 (VCV003651267.2).

ClinVar aggregate classification (germline): Uncertain significance (1 of 4 stars; one submission).

Conditions:
Combined oxidative phosphorylation defect type 17. Also called: Combined oxidative phosphorylation deficiency 17. Identifiers: Orphanet 369913, MedGen C3809526, MONDO:0014190, OMIM 615440.

Submission:

Labcorp Genetics (formerly Invitae), Labcorp
Classification: Uncertain significance for Combined oxidative phosphorylation defect type 17. Last evaluated: 2024-04-26. Review status: criteria provided, single submitter. Criteria: Invitae Variant Classification Sherloc (09022015). Collection method: clinical testing. Allele origin: germline.
Comment: This sequence change replaces histidine, which is basic and polar, with tyrosine, which is neutral and polar, at codon 114 of the ELAC2 protein (p.His114Tyr). This variant is not present in population databases (gnomAD no frequency). This variant has not been reported in the literature in individuals affected with ELAC2-related conditions. Advanced modeling of protein sequence and biophysical properties (such as structural, functional, and spatial information, amino acid conservation, physicochemical variation, residue mobility, and thermodynamic stability) performed at Invitae indicates that this missense variant is not expected to disrupt ELAC2 protein function with a negative predictive value of 80%. In summary, the available evidence is currently insufficient to determine the role of this variant in disease. Therefore, it has been classified as a Variant of Uncertain Significance.